The following is an entry in ClinVar:

NM_003072.5(SMARCA4):c.4238G>A (p.Arg1413His)

Gene: SMARCA4 (SWI/SNF related BAF chromatin remodeling complex subunit ATPase 4; plus strand). Cytogenetic location: 19p13.2.
Variant type: single nucleotide variant.
Coding change: c.4238G>A on transcript NM_003072.5 (MANE Select); coding-DNA position 4238, G replaced by A.
Protein change: p.Arg1413His; replaces arginine 1413 with histidine.
Molecular consequence: missense variant. On other transcripts: non-coding transcript variant (1).
Genome position (GRCh38, 1-based): chr19:11,041,374, G>A. VCF-style: chr19-11041374-G-A. GRCh37 (hg19) VCF-style: chr19-11152050-G-A.
Other names: c.4238G>A, p.Arg1413His (NM_001128844.3); c.4148G>A, p.Arg1383His (NM_001128845.2, NM_001128846.2); c.4139G>A, p.Arg1380His (NM_001128847.4, NM_001128848.2, NM_001374457.1); c.4334G>A, p.Arg1445His (NM_001128849.3, NM_001387283.1); c.4235G>A, p.Arg1412His (NM_001411150.1); short protein forms R1380H, R1412H, R1413H, R1445H, R1383H.
Identifiers: ClinVar variation 1739805 (VCV001739805.7), dbSNP rs2075600402, ClinGen allele CA404073092.

ClinVar aggregate classification (germline): Uncertain significance. Review status: criteria provided, multiple submitters, no conflicts (2 of 4 stars). 2 submissions from 2 submitters: Uncertain significance (2). Last evaluated 2025-04-02.

Conditions:
Hereditary cancer-predisposing syndrome. Also called: Hereditary Cancer Syndrome; Hereditary neoplastic syndrome; Neoplastic Syndromes, Hereditary; Tumor predisposition. Identifiers: Orphanet 140162, MedGen C0027672, MeSH D009386, MONDO:0015356.
Rhabdoid tumor predisposition syndrome 2 (RTPS2). Identifiers: Orphanet 231108, Orphanet 69077, MedGen C2750074, MONDO:0013224, OMIM 613325.

Allele frequency attached by ClinVar (database versions not stated): gnomAD exomes below 0.00001.
gnomAD v4.1: 3 of 1,612,676 alleles (0.00019%); highest among the groups gnomAD compares: Non-Finnish European, 0.00025%; no homozygotes.

Submissions (2):

Ambry Genetics
Classification: Uncertain significance for Hereditary cancer-predisposing syndrome. Last evaluated: 2025-04-02. Review status: criteria provided, single submitter. Criteria: Ambry Variant Classification Scheme 2023. Collection method: clinical testing. Allele origin: germline.
Comment: The p.R1445H variant (also known as c.4334G>A), located in coding exon 30 of the SMARCA4 gene, results from a G to A substitution at nucleotide position 4334. The arginine at codon 1445 is replaced by histidine, an amino acid with highly similar properties. This amino acid position is highly conserved in available vertebrate species. In addition, the in silico prediction for this alteration is inconclusive. Based on the available evidence, the clinical significance of this variant remains unclear.

Labcorp Genetics (formerly Invitae), Labcorp
Classification: Uncertain significance for Rhabdoid tumor predisposition syndrome 2. Last evaluated: 2025-03-11. Review status: criteria provided, single submitter. Criteria: Invitae Variant Classification Sherloc (09022015). Collection method: clinical testing. Allele origin: germline.
Comment: This sequence change replaces arginine, which is basic and polar, with histidine, which is basic and polar, at codon 1445 of the SMARCA4 protein (p.Arg1445His). This variant is not present in population databases (gnomAD no frequency). This variant has not been reported in the literature in individuals affected with SMARCA4-related conditions. ClinVar contains an entry for this variant (Variation ID: 1739805). Invitae Evidence Modeling of protein sequence and biophysical properties (such as structural, functional, and spatial information, amino acid conservation, physicochemical variation, residue mobility, and thermodynamic stability) has been performed for this missense variant. However, the output from this modeling did not meet the statistical confidence thresholds required to predict the impact of this variant on SMARCA4 protein function. In summary, the available evidence is currently insufficient to determine the role of this variant in disease. Therefore, it has been classified as a Variant of Uncertain Significance.